The following is an entry in ClinVar:

NM_000051.4(ATM):c.858A>C (p.Gln286His)

Gene: ATM (ATM serine/threonine kinase; plus strand). Cytogenetic location: 11q22.3.
Variant type: single nucleotide variant.
Coding change: c.858A>C on transcript NM_000051.4 (MANE Select); coding-DNA position 858, A replaced by C.
Protein change: p.Gln286His; replaces glutamine 286 with histidine.
Molecular consequence: missense variant.
Genome position (GRCh38, 1-based): chr11:108,244,983, A>C. VCF-style: chr11-108244983-A-C. GRCh37 (hg19) VCF-style: chr11-108115710-A-C.
Other names: c.858A>C, p.Gln286His (NM_001351834.2); short protein forms Q286H.
Identifiers: ClinVar variation 4866328 (VCV004866328.1).

ClinVar aggregate classification (germline): Uncertain significance (1 of 4 stars; one submission).

Conditions:
Hereditary cancer-predisposing syndrome. Also called: Neoplastic Syndromes, Hereditary; Tumor predisposition; Hereditary Cancer Syndrome; Hereditary neoplastic syndrome. Identifiers: Orphanet 140162, MedGen C0027672, MeSH D009386, MONDO:0015356.

gnomAD v4.1: 1 of 1,612,508 alleles (0.000062%); highest among the groups gnomAD compares: East Asian, 0.0022%; no homozygotes.

Submission:

Ambry Genetics
Classification: Uncertain significance for Hereditary cancer-predisposing syndrome. Last evaluated: 2026-04-16. Review status: criteria provided, single submitter. Criteria: Ambry Variant Classification Scheme 2023. Collection method: clinical testing. Allele origin: germline.
Comment: The p.Q286H variant (also known as c.858A>C), located in coding exon 6 of the ATM gene, results from an A to C substitution at nucleotide position 858. The glutamine at codon 286 is replaced by histidine, an amino acid with highly similar properties. This amino acid position is conserved. In addition, this alteration is predicted to be tolerated by in silico analysis. Based on the available evidence, the clinical significance of this variant remains unclear.